The following is an entry in ClinVar:

ClinVar aggregate classification (germline): Benign. Review status: criteria provided, multiple submitters, no conflicts (2 of 4 stars). 6 submissions from 6 submitters: Benign (6). Last evaluated 2026-01-27.

Conditions:
Cataract 6 multiple types. Also called: CATARACT, AGE-RELATED CORTICAL, 2; CATARACT 6, POSTERIOR POLAR; CATARACT 6, CONGENITAL TOTAL. Identifiers: Orphanet 91492, MedGen C1861825, MONDO:0007288, OMIM 116600.

Allele frequency attached by ClinVar (database versions not stated): ESP Exome Variant Server 0.01253; gnomAD 0.01659 and 0.01670; gnomAD exomes 0.01786 and 0.02462; 1000 Genomes Project 0.01857; TOPMed 0.02020; ExAC 0.02100; 1000 Genomes Project 30x 0.02139.

Submissions (6):

Labcorp Genetics (formerly Invitae), Labcorp
Classification: Benign for Cataract 6 multiple types. Last evaluated: 2026-01-27. Review status: criteria provided, single submitter. Criteria: Invitae Variant Classification Sherloc (09022015). Collection method: clinical testing. Allele origin: germline.

Department of Pathology and Laboratory Medicine, Sinai Health System
Classification: Benign for Cataract 6 multiple types. Last evaluated: 2022-07-20. Review status: criteria provided, single submitter. Criteria: ACMG Guidelines, 2015. Collection method: research. Allele origin: germline.

GeneDx
Classification: Benign. Last evaluated: 2018-10-01. Review status: criteria provided, single submitter. Criteria: GeneDx Variant Classification Process June 2021. Collection method: clinical testing. Allele origin: germline. Affected: yes.

Illumina Laboratory Services, Illumina
Classification: Benign for Cataract 6 multiple types. Last evaluated: 2018-01-13. Review status: criteria provided, single submitter. Criteria: ICSL Variant Classification Criteria 13 December 2019. Collection method: clinical testing. Allele origin: germline.
Comment: This variant was observed in the ICSL laboratory as part of a predisposition screen in an ostensibly healthy population. It had not been previously curated by ICSL or reported in the Human Gene Mutation Database (HGMD: prior to June 1st, 2018), and was therefore a candidate for classification through an automated scoring system. Utilizing variant allele frequency, disease prevalence and penetrance estimates, and inheritance mode, an automated score was calculated to assess if this variant is too frequent to cause the disease. Based on the score and internal cut-off values, a variant classified as benign is not then subjected to further curation. The score for this variant resulted in a classification of benign for this disease.

Breakthrough Genomics
Classification: Benign. Review status: criteria provided, single submitter. Criteria: ACMG Guidelines, 2015. Collection method: not provided. Allele origin: germline. Inheritance: Autosomal dominant inheritance. Affected: yes.

PreventionGenetics, part of Exact Sciences
Classification: Benign. Review status: criteria provided, single submitter. Criteria: ACMG Guidelines, 2015. Collection method: clinical testing. Allele origin: germline.

NM_004431.5(EPHA2):c.1171G>A (p.Gly391Arg)

Gene: EPHA2 (EPH receptor A2; minus strand). Cytogenetic location: 1p36.13.
Variant type: single nucleotide variant.
Coding change: c.1171G>A on transcript NM_004431.5 (MANE Select); coding-DNA position 1171, G replaced by A.
Protein change: p.Gly391Arg; replaces glycine 391 with arginine.
Molecular consequence: missense variant.
Genome position (GRCh38, 1-based): chr1:16,137,994, C>T on the plus strand (G>A on the coding strand, the complement: EPHA2 is on the minus strand). VCF-style: chr1-16137994-C-T. GRCh37 (hg19) VCF-style: chr1-16464489-C-T.
Other names: c.1009G>A, p.Gly337Arg (NM_001329090.2); short protein forms G391R, G337R.
Identifiers: ClinVar variation 259386 (VCV000259386.18), dbSNP rs34192549, ClinGen allele CA625293.